The following is an entry in ClinVar:

NM_014967.5(FAN1):c.1659G>A (p.Ser553=)

Gene: FAN1 (FANCD2 and FANCI associated nuclease 1; plus strand). Cytogenetic location: 15q13.3.
Variant type: single nucleotide variant.
Coding change: c.1659G>A on transcript NM_014967.5 (MANE Select); coding-DNA position 1659, G replaced by A.
Protein change: p.Ser553=; no amino-acid change (serine 553 retained).
Molecular consequence: synonymous variant.
Genome position (GRCh38, 1-based): chr15:30,913,939, G>A. VCF-style: chr15-30913939-G-A. GRCh37 (hg19) VCF-style: chr15-31206142-G-A.
Identifiers: ClinVar variation 3354918 (VCV003354918.2).

ClinVar aggregate classification (germline): Uncertain significance. Review status: criteria provided, single submitter (1 of 4 stars). 2 submissions from 2 submitters: Uncertain significance (1). 1 of the submissions does not count toward it. Last evaluated 2024-07-19.

Conditions:
Karyomegalic interstitial nephritis. Identifiers: Orphanet 401996, MedGen C3553774, MONDO:0013898, OMIM 614817.
FAN1-related disorder. Also called: FAN1-related condition.

gnomAD v4.1: 28 of 1,614,122 alleles (0.0017%); highest among the groups gnomAD compares: East Asian, 0.053%; 1 homozygote.

Submissions (2):

Revvity Omics, Revvity
Classification: Uncertain significance for Karyomegalic interstitial nephritis. Last evaluated: 2024-07-19. Review status: criteria provided, single submitter. Criteria: ACMG Guidelines, 2015. Collection method: clinical testing. Allele origin: germline.

PreventionGenetics, part of Exact Sciences
Classification: Likely benign for FAN1-related condition. Last evaluated: 2024-06-25. Review status: no assertion criteria provided. Collection method: clinical testing. Allele origin: germline. Not counted in ClinVar's aggregate classification.
Comment: This variant is classified as likely benign based on ACMG/AMP sequence variant interpretation guidelines (Richards et al. 2015 PMID: 25741868, with internal and published modifications).